The following is an entry in ClinVar:

ClinVar aggregate classification (germline): Uncertain significance (1 of 4 stars; one submission).

Conditions:
Hereditary spastic paraplegia 63. Also called: Spastic paraplegia 63, autosomal recessive. Identifiers: Orphanet 401805, MedGen C3810295, MONDO:0014305, OMIM 615686.
Pontocerebellar hypoplasia type 9. Identifiers: Orphanet 369920, MedGen C4014354, MONDO:0014351, OMIM 615809.

Allele frequency attached by ClinVar (database versions not stated): gnomAD exomes below 0.00001; TOPMed below 0.00001; gnomAD 0.00001.
gnomAD v4.1: 3 of 1,581,276 alleles (0.00019%); highest among the groups gnomAD compares: East Asian, 0.007%; no homozygotes.

Submission:

Labcorp Genetics (formerly Invitae), Labcorp
Classification: Uncertain significance for Pontocerebellar hypoplasia type 9; Hereditary spastic paraplegia 63. Last evaluated: 2022-03-11. Review status: criteria provided, single submitter. Criteria: Invitae Variant Classification Sherloc (09022015). Collection method: clinical testing. Allele origin: germline.
Comment: In summary, the available evidence is currently insufficient to determine the role of this variant in disease. Therefore, it has been classified as a Variant of Uncertain Significance. Algorithms developed to predict the effect of missense changes on protein structure and function (SIFT, PolyPhen-2, Align-GVGD) all suggest that this variant is likely to be tolerated. This variant has not been reported in the literature in individuals affected with AMPD2-related conditions. This variant is present in population databases (no rsID available, gnomAD 0.02%). This sequence change replaces proline, which is neutral and non-polar, with serine, which is neutral and polar, at codon 566 of the AMPD2 protein (p.Pro566Ser).

NM_001368809.2(AMPD2):c.1534C>T (p.Pro512Ser)

Genes: AMPD2 (adenosine monophosphate deaminase 2; plus strand), LOC126805822 (BRD4-independent group 4 enhancer GRCh37_chr1:110170748-110171947; plus strand). Cytogenetic location: 1p13.3.
Variant type: single nucleotide variant.
Coding change: c.1534C>T on transcript NM_001368809.2 (MANE Select); coding-DNA position 1534, C replaced by T.
Protein change: p.Pro512Ser; replaces proline 512 with serine.
Molecular consequence: missense variant.
Genome position (GRCh38, 1-based): chr1:109,628,769, C>T. VCF-style: chr1-109628769-C-T. GRCh37 (hg19) VCF-style: chr1-110171391-C-T.
Other names: c.1696C>T, p.Pro566Ser (NM_001257360.2); c.1342C>T, p.Pro448Ser (NM_001257361.2); c.1471C>T, p.Pro491Ser (NM_001308170.1); c.1534C>T, p.Pro512Ser (NM_004037.9); c.1453C>T, p.Pro485Ser (NM_139156.4); short protein forms P512S, P566S, P491S, P485S, P448S.
Identifiers: ClinVar variation 2159098 (VCV002159098.4), dbSNP rs1289426036, ClinGen allele CA341559206.